The following is an entry in ClinVar:

ClinVar aggregate classification (germline): Pathogenic (1 of 4 stars; one submission).

Conditions:
Radio-Tartaglia syndrome. Identifiers: Orphanet 662234, MedGen C5543339, MONDO:0859143, OMIM 619312.

Submission:

Institute of Human Genetics, University of Leipzig Medical Center
Classification: Pathogenic for Radio-Tartaglia syndrome. Last evaluated: 2024-07-04. Review status: criteria provided, single submitter. Criteria: ACMG Guidelines, 2015. Collection method: clinical testing. Allele origin: unknown. Inheritance: Autosomal dominant inheritance. Affected: yes.
Comment: Criteria applied: PVS1,PM2

NM_015001.3(SPEN):c.9031C>T (p.Arg3011Ter)

Gene: SPEN (spen family transcriptional repressor; plus strand). Cytogenetic location: 1p36.13.
Variant type: single nucleotide variant.
Coding change: c.9031C>T on transcript NM_015001.3 (MANE Select); coding-DNA position 9031, C replaced by T.
Protein change: p.Arg3011Ter; replaces arginine 3011 with a stop codon.
Molecular consequence: nonsense.
Genome position (GRCh38, 1-based): chr1:15,935,271, C>T. VCF-style: chr1-15935271-C-T. GRCh37 (hg19) VCF-style: chr1-16261766-C-T.
Other names: short protein forms R3011*.
Identifiers: ClinVar variation 3358999 (VCV003358999.2).